The following is an entry in ClinVar:

NM_000264.5(PTCH1):c.3223G>A (p.Gly1075Arg)

Gene: PTCH1 (patched 1; minus strand). Cytogenetic location: 9q22.32.
Variant type: single nucleotide variant.
Coding change: c.3223G>A on transcript NM_000264.5 (MANE Select); coding-DNA position 3223, G replaced by A.
Protein change: p.Gly1075Arg; replaces glycine 1075 with arginine.
Molecular consequence: missense variant. On other transcripts: non-coding transcript variant (1).
Genome position (GRCh38, 1-based): chr9:95,456,359, C>T on the plus strand (G>A on the coding strand, the complement: PTCH1 is on the minus strand). VCF-style: chr9-95456359-C-T. GRCh37 (hg19) VCF-style: chr9-98218641-C-T.
Other names: c.3025G>A, p.Gly1009Arg (NM_001083602.3); c.3220G>A, p.Gly1074Arg (NM_001083603.3); c.2770G>A, p.Gly924Arg (NM_001083604.3, NM_001083605.3, NM_001083606.3 and 1 more transcripts); c.3067G>A, p.Gly1023Arg (NM_001354918.2); short protein forms G1009R, G1023R, G1074R, G1075R, G924R.
Identifiers: ClinVar variation 1021650 (VCV001021650.12), dbSNP rs1838926237, ClinGen allele CA374112121.
Genomic context (GRCh38, chr9:95,456,359, plus strand): 5'-CCACTCCTATGCCAACAGAAGCGATCAGGATGACCACGGGCACGGCACTGAGCTTGATTC[C>T]GATGAGGCCCATCATGCCGAACAGCTCGACCGTCATCAGCGCCAGGACCATCACCTGGAG-3'
Protein context (NP_000255.2, residues 1065-1085): VELFGMMGLI[Gly1075Arg]IKLSAVPVVI

ClinVar aggregate classification (germline): Uncertain significance. Review status: criteria provided, multiple submitters, no conflicts (2 of 4 stars). 3 submissions from 3 submitters: Uncertain significance (3). Last evaluated 2026-05-08.

Conditions:
Basal cell carcinoma, susceptibility to, 1. Also called: BCC1. Identifiers: MedGen C2751544, MONDO:0011556, OMIM 605462.
Hereditary cancer-predisposing syndrome. Also called: Hereditary neoplastic syndrome; Neoplastic Syndromes, Hereditary; Tumor predisposition; Hereditary Cancer Syndrome. Identifiers: Orphanet 140162, MedGen C0027672, MeSH D009386, MONDO:0015356.
Gorlin syndrome. Also called: Basal cell nevus syndrome; Nevoid Basal Cell Carcinoma Syndrome. Identifiers: Orphanet 377, MedGen C0004779, MONDO:0007187.

Allele frequency attached by ClinVar (database versions not stated): gnomAD exomes below 0.00001.
gnomAD v4.1: 3 of 1,614,108 alleles (0.00019%); highest among the groups gnomAD compares: Non-Finnish European, 0.00017%; no homozygotes.

Submissions (3):

Ambry Genetics
Classification: Uncertain significance for Hereditary cancer-predisposing syndrome. Last evaluated: 2026-05-08. Review status: criteria provided, single submitter. Criteria: Ambry Variant Classification Scheme 2023. Collection method: clinical testing. Allele origin: germline.
Comment: The p.G1075R variant (also known as c.3223G>A), located in coding exon 19 of the PTCH1 gene, results from a G to A substitution at nucleotide position 3223. The glycine at codon 1075 is replaced by arginine, an amino acid with dissimilar properties. This variant was detected as heterozygous in individual(s) with no reported features of PTCH1-related nevoid basal cell carcinoma syndrome (Ambry internal data). This amino acid position is conserved. In addition, this alteration is predicted to be deleterious by in silico analysis. Based on the available evidence, the clinical significance of this variant remains unclear.

Labcorp Genetics (formerly Invitae), Labcorp
Classification: Uncertain significance for Gorlin syndrome. Last evaluated: 2025-07-11. Review status: criteria provided, single submitter. Criteria: Invitae Variant Classification Sherloc (09022015). Collection method: clinical testing. Allele origin: germline.
Comment: This sequence change replaces glycine, which is neutral and non-polar, with arginine, which is basic and polar, at codon 1075 of the PTCH1 protein (p.Gly1075Arg). This variant is not present in population databases (gnomAD no frequency). This variant has not been reported in the literature in individuals affected with PTCH1-related conditions. ClinVar contains an entry for this variant (Variation ID: 1021650). Invitae Evidence Modeling of protein sequence and biophysical properties (such as structural, functional, and spatial information, amino acid conservation, physicochemical variation, residue mobility, and thermodynamic stability) has been performed for this missense variant. However, the output from this modeling did not meet the statistical confidence thresholds required to predict the impact of this variant on PTCH1 protein function. In summary, the available evidence is currently insufficient to determine the role of this variant in disease. Therefore, it has been classified as a Variant of Uncertain Significance.

Baylor Genetics
Classification: Uncertain significance for Basal cell carcinoma, susceptibility to, 1. Last evaluated: 2023-06-23. Review status: criteria provided, single submitter. Criteria: ACMG Guidelines, 2015. Collection method: clinical testing. Allele origin: unknown.